The following is an entry in ClinVar:

ClinVar aggregate classification (germline): Uncertain significance (1 of 4 stars; one submission).

Conditions:
Arrhythmogenic right ventricular dysplasia 5. Also called: ARRHYTHMOGENIC RIGHT VENTRICULAR DYSPLASIA, FAMILIAL, 5; Arrhythmogenic Right Ventricular Dysplasia/Cardiomyopathy 5. Identifiers: MedGen C1858379, MONDO:0011459, OMIM 604400.

Allele frequency attached by ClinVar (database versions not stated): gnomAD exomes below 0.00001; TOPMed below 0.00001.
gnomAD v4.1: 1 of 1,612,444 alleles (0.000062%); highest among the groups gnomAD compares: Non-Finnish European, 0.000085%; no homozygotes.

Submission:

Labcorp Genetics (formerly Invitae), Labcorp
Classification: Uncertain significance for Arrhythmogenic right ventricular dysplasia 5. Last evaluated: 2020-09-10. Review status: criteria provided, single submitter. Criteria: Invitae Variant Classification Sherloc (09022015). Collection method: clinical testing. Allele origin: germline.
Comment: In summary, the available evidence is currently insufficient to determine the role of this variant in disease. Therefore, it has been classified as a Variant of Uncertain Significance. Algorithms developed to predict the effect of missense changes on protein structure and function are either unavailable or do not agree on the potential impact of this missense change (SIFT: "Deleterious"; PolyPhen-2: "Benign"; Align-GVGD: "Class C0"). This variant has not been reported in the literature in individuals with TMEM43-related conditions. This variant is not present in population databases (ExAC no frequency). This sequence change replaces leucine with proline at codon 255 of the TMEM43 protein (p.Leu255Pro). The leucine residue is moderately conserved and there is a moderate physicochemical difference between leucine and proline.

NM_024334.3(TMEM43):c.764T>C (p.Leu255Pro)

Gene: TMEM43 (transmembrane protein 43; plus strand). Cytogenetic location: 3p25.1.
Variant type: single nucleotide variant.
Coding change: c.764T>C on transcript NM_024334.3 (MANE Select); coding-DNA position 764, T replaced by C.
Protein change: p.Leu255Pro; replaces leucine 255 with proline.
Molecular consequence: missense variant.
Genome position (GRCh38, 1-based): chr3:14,135,216, T>C. VCF-style: chr3-14135216-T-C. GRCh37 (hg19) VCF-style: chr3-14176716-T-C.
Other names: short protein forms L255P.
Identifiers: ClinVar variation 1001099 (VCV001001099.8), dbSNP rs1343395046, ClinGen allele CA351535811.